The following is an entry in ClinVar:

NM_024422.6(DSC2):c.2318G>T (p.Gly773Val)

Gene: DSC2 (desmocollin 2; minus strand). Cytogenetic location: 18q12.1.
Variant type: single nucleotide variant.
Coding change: c.2318G>T on transcript NM_024422.6 (MANE Select); coding-DNA position 2318, G replaced by T.
Protein change: p.Gly773Val; replaces glycine 773 with valine.
Molecular consequence: missense variant.
Genome position (GRCh38, 1-based): chr18:31,069,084, C>A on the plus strand (G>T on the coding strand, the complement: DSC2 is on the minus strand). VCF-style: chr18-31069084-C-A. GRCh37 (hg19) VCF-style: chr18-28649050-C-A.
Other names: c.2318G>T, p.Gly773Val (NM_004949.5); short protein forms G773V.
Identifiers: ClinVar variation 629514 (VCV000629514.4), dbSNP rs749174176, ClinGen allele CA402111879.

ClinVar aggregate classification (germline): Uncertain significance (1 of 4 stars; one submission).

Conditions:
Cardiomyopathy (CMYO). Also called: Cardiomyopathies. Identifiers: Orphanet 167848, MedGen C0878544, MONDO:0004994, HP:0001638. Inheritance: Various modes of inheritance.

Submission:

Color Diagnostics, LLC DBA Color Health
Classification: Uncertain significance for Cardiomyopathy. Last evaluated: 2023-12-04. Review status: criteria provided, single submitter. Criteria: ACMG Guidelines, 2015. Collection method: clinical testing. Allele origin: germline.
Comment: Variant of Uncertain Significance due to insufficient evidence: This missense variant is located in the cytoplasmic domain of the DSC2 protein. Computational prediction tools and conservation analyses are inconclusive regarding the impact of this variant on the protein function. Computational splicing tools suggest that this variant may not impact RNA splicing. To our knowledge, functional assays have not been performed for this variant nor has this variant been reported in individuals affected with cardiovascular disorders in the literature. This variant is rare in the general population and has been identified in 0/277264 chromosomes by the Genome Aggregation Database (gnomAD). Available evidence is insufficient to determine the pathogenicity of this variant conclusively.